The following is an entry in ClinVar:

ClinVar aggregate classification (germline): Likely pathogenic (1 of 4 stars; one submission).

Conditions:
LAMA2-related muscular dystrophy (LAMA2-RD). Also called: Laminin alpha 2-related dystrophy. Identifiers: MedGen C5679788, MONDO:0100228.

Submission:

Myriad Genetics, Inc.
Classification: Likely pathogenic for LAMA2-related muscular dystrophy. Last evaluated: 2022-05-14. Review status: criteria provided, single submitter. Criteria: Myriad Autosomal Dominant, Autosomal Recessive and X-Linked Classification Criteria (2023). Collection method: clinical testing. Allele origin: unknown.
Comment: NM_000426.3(LAMA2):c.4504G>T(E1502*) is expected to be pathogenic in the context of muscular dystrophy, LAMA2-related. This variant is predicted to lead to an abnormal or absent protein product due to the creation of a premature termination codon in LAMA2, a gene where loss-of-function variants are known to be pathogenic. Please note: this variant was assessed in the context of healthy population screening.

NM_000426.4(LAMA2):c.4504G>T (p.Glu1502Ter)

Gene: LAMA2 (laminin subunit alpha 2; plus strand). Cytogenetic location: 6q22.33.
Variant type: single nucleotide variant.
Coding change: c.4504G>T on transcript NM_000426.4 (MANE Select); coding-DNA position 4504, G replaced by T.
Protein change: p.Glu1502Ter; replaces glutamic acid 1502 with a stop codon.
Molecular consequence: nonsense.
Genome position (GRCh38, 1-based): chr6:129,349,365, G>T. VCF-style: chr6-129349365-G-T. GRCh37 (hg19) VCF-style: chr6-129670510-G-T.
Other names: c.4504G>T, p.Glu1502Ter (NM_001079823.2); short protein forms E1502*.
Identifiers: ClinVar variation 1726056 (VCV001726056.3), dbSNP rs2482559726, ClinGen allele CA365617542.